The following is an entry in ClinVar:

ClinVar aggregate classification (germline): Conflicting classifications of pathogenicity. Review status: criteria provided, conflicting classifications (1 of 4 stars). 2 submissions from 2 submitters: Uncertain significance (1); Benign (1). Last evaluated 2023-10-13.

Conditions:
Primary ciliary dyskinesia. Also called: Ciliary dyskinesia. Identifiers: Orphanet 244, MedGen C0008780, MONDO:0016575, HP:0012265.

Allele frequency attached by ClinVar (database versions not stated): TOPMed below 0.00001; gnomAD 0.00001; gnomAD exomes 0.00002; ExAC 0.00006.
gnomAD v4.1: 30 of 1,613,916 alleles (0.0019%); highest among the groups gnomAD compares: South Asian, 0.031%; 1 homozygote.

Submissions (2):

Labcorp Genetics (formerly Invitae), Labcorp
Classification: Benign for Primary ciliary dyskinesia. Last evaluated: 2023-10-13. Review status: criteria provided, single submitter. Criteria: Invitae Variant Classification Sherloc (09022015). Collection method: clinical testing. Allele origin: germline.

Ambry Genetics
Classification: Uncertain significance for Primary ciliary dyskinesia. Last evaluated: 2017-09-28. Review status: criteria provided, single submitter. Criteria: Ambry Variant Classification Scheme 2023. Collection method: clinical testing. Allele origin: germline.
Comment: The p.V2520A variant (also known as c.7559T>C), located in coding exon 46 of the DNAH11 gene, results from a T to C substitution at nucleotide position 7559. The valine at codon 2520 is replaced by alanine, an amino acid with similar properties. This amino acid position is not well conserved in available vertebrate species. In addition, this alteration is predicted to be tolerated by in silico analysis. Since supporting evidence is limited at this time, the clinical significance of this alteration remains unclear.

NM_001277115.2(DNAH11):c.7559T>C (p.Val2520Ala)

Gene: DNAH11 (dynein axonemal heavy chain 11; plus strand). Cytogenetic location: 7p15.3.
Variant type: single nucleotide variant.
Coding change: c.7559T>C on transcript NM_001277115.2 (MANE Select); coding-DNA position 7559, T replaced by C.
Protein change: p.Val2520Ala; replaces valine 2520 with alanine.
Molecular consequence: missense variant.
Genome position (GRCh38, 1-based): chr7:21,735,758, T>C. VCF-style: chr7-21735758-T-C. GRCh37 (hg19) VCF-style: chr7-21775376-T-C.
Other names: c.7580T>C, p.Val2527Ala (NM_003777.3); short protein forms V2520A, V2527A.
Identifiers: ClinVar variation 1759503 (VCV001759503.5), dbSNP rs777454538, ClinGen allele CA4181265.